The following is an entry in ClinVar:

ClinVar aggregate classification (germline): Likely benign (1 of 4 stars; one submission).

Allele frequency attached by ClinVar (database versions not stated): 1000 Genomes Project 30x 0.00853; 1000 Genomes Project 0.00874; gnomAD 0.01833 and 0.01838; TOPMed 0.01900.
gnomAD v4.1: 2,039 of 111,717 alleles (1.8%); highest among the groups gnomAD compares: Non-Finnish European, 3%; 20 homozygotes.

Submission:

GeneDx
Classification: Likely benign. Last evaluated: 2018-06-14. Review status: criteria provided, single submitter. Criteria: GeneDx Variant Classification (06012015). Collection method: clinical testing. Allele origin: germline. Affected: yes.
Comment: This variant is considered likely benign or benign based on one or more of the following criteria: it is a conservative change, it occurs at a poorly conserved position in the protein, it is predicted to be benign by multiple in silico algorithms, and/or has population frequency not consistent with disease.

NM_001099922.3(ALG13):c.2529+275C>T

Gene: ALG13 (ALG13 UDP-N-acetylglucosaminyltransferase subunit; plus strand). Cytogenetic location: Xq23.
Variant type: single nucleotide variant.
Coding change: c.2529+275C>T on transcript NM_001099922.3 (MANE Select); 275 bases into the intron after coding-DNA position 2529, C replaced by T.
Molecular consequence: intron variant.
Genome position (GRCh38, 1-based): chrX:111,735,397, C>T. VCF-style: chrX-111735397-C-T. GRCh37 (hg19) VCF-style: chrX-110978625-C-T.
Other names: c.2217+275C>T (NM_001257237.2, NM_001257234.2, NM_001257230.2); c.2043+275C>T (NM_001324293.1); c.2295+275C>T (NM_001257231.2); c.2529+275C>T (NM_001324292.2).
Identifiers: ClinVar variation 669722 (VCV000669722.1), dbSNP rs16986620, ClinGen allele CA334445110.